The following is an entry in ClinVar:

ClinVar aggregate classification (germline): Likely benign (1 of 4 stars; one submission).

Allele frequency attached by ClinVar (database versions not stated): 1000 Genomes Project 0.00240; 1000 Genomes Project 30x 0.00250; ESP Exome Variant Server 0.00284.
gnomAD v4.1: 1,682 of 1,611,982 alleles (0.1%); highest among the groups gnomAD compares: African/African-American, 0.71%; 2 homozygotes.

Submission:

CeGaT Center for Human Genetics Tuebingen
Classification: Likely benign. Last evaluated: 2022-12-01. Review status: criteria provided, single submitter. Criteria: CeGaT Center For Human Genetics Tuebingen Variant Classification Criteria Version 2. Collection method: clinical testing. Allele origin: germline. Affected: yes. Observed: 1 variant allele.
Comment: ARHGAP8: BP4

NM_181335.3(ARHGAP8):c.1229G>A (p.Arg410Gln)

Genes: ARHGAP8 (Rho GTPase activating protein 8; plus strand), PRR5-ARHGAP8 (PRR5-ARHGAP8 readthrough; plus strand). Cytogenetic location: 22q13.31.
Variant type: single nucleotide variant.
Coding change: c.1229G>A on transcript NM_181335.3 (MANE Select); coding-DNA position 1229, G replaced by A.
Protein change: p.Arg410Gln; replaces arginine 410 with glutamine.
Molecular consequence: missense variant. On other transcripts: 3 prime UTR variant (1).
Genome position (GRCh38, 1-based): chr22:44,862,522, G>A. VCF-style: chr22-44862522-G-A. GRCh37 (hg19) VCF-style: chr22-45258402-G-A.
Other names: c.1322G>A, p.Arg441Gln (NM_001017526.2); c.*207G>A (NM_001198726.2); c.1622G>A, p.Arg541Gln (NM_181334.6); short protein forms R410Q, R441Q, R541Q.
Identifiers: ClinVar variation 2653281 (VCV002653281.23), dbSNP rs144546780, ClinGen allele CA10282389.
Genomic context (GRCh38, chr22:44,862,522, plus strand): 5'-ACGGCCTGGCACCATGGGAACAGGGGAGCAGGGCAGCCCCTTTGCAGGAGGCTGTGCCAC[G>A]GACACAAGCCACGGGCCTCACCAAGCCTACCCTACCTCCGAGTCCCCTGATGGCAGCCAG-3'
Protein context (NP_851852.2, residues 400-420): RAAPLQEAVP[Arg410Gln]TQATGLTKPT